The following is an entry in ClinVar:

NM_001374736.1(DST):c.104T>G (p.Phe35Cys)

Gene: DST (dystonin; minus strand). Cytogenetic location: 6p12.1.
Variant type: single nucleotide variant.
Coding change: c.104T>G on transcript NM_001374736.1 (MANE Select); coding-DNA position 104, T replaced by G.
Protein change: p.Phe35Cys; replaces phenylalanine 35 with cysteine.
Molecular consequence: missense variant.
Genome position (GRCh38, 1-based): chr6:56,954,484, A>C on the plus strand (T>G on the coding strand, the complement: DST is on the minus strand). VCF-style: chr6-56954484-A-C. GRCh37 (hg19) VCF-style: chr6-56819282-A-C.
Other names: c.104T>G, p.Phe35Cys (NM_001144769.5, NM_001374722.1, NM_001374734.1); short protein forms F35C.
Identifiers: ClinVar variation 1776742 (VCV001776742.2), dbSNP rs369858396, ClinGen allele CA3872073.

ClinVar aggregate classification (germline): Uncertain significance (1 of 4 stars; one submission).

Conditions:
Inborn genetic diseases. Identifiers: MedGen C0950123, MeSH D030342.

Allele frequency attached by ClinVar (database versions not stated): gnomAD 0.00005; TOPMed 0.00005; ExAC 0.00007; ESP Exome Variant Server 0.00010; 1000 Genomes Project 0.00020; 1000 Genomes Project 30x 0.00031.
gnomAD v4.1: 55 of 1,367,550 alleles (0.004%); highest among the groups gnomAD compares: South Asian, 0.039%; no homozygotes.

Submission:

Ambry Genetics
Classification: Uncertain significance for Inborn genetic diseases. Last evaluated: 2020-10-27. Review status: criteria provided, single submitter. Criteria: Ambry Variant Classification Scheme 2023. Collection method: clinical testing. Allele origin: germline.
Comment: The p.F35C variant (also known as c.104T>G), located in coding exon 1 of the DST gene, results from a T to G substitution at nucleotide position 104. The phenylalanine at codon 35 is replaced by cysteine, an amino acid with highly dissimilar properties. This amino acid position is well conserved in available vertebrate species. In addition, this alteration is predicted to be deleterious by in silico analysis. Since supporting evidence is limited at this time, the clinical significance of this alteration remains unclear.